The following is an entry in ClinVar:

NM_000482.4(APOA4):c.1165C>T (p.Gln389Ter)

Gene: APOA4 (apolipoprotein A4; minus strand). Cytogenetic location: 11q23.3.
Variant type: single nucleotide variant.
Coding change: c.1165C>T on transcript NM_000482.4 (MANE Select); coding-DNA position 1165, C replaced by T.
Protein change: p.Gln389Ter; replaces glutamine 389 with a stop codon.
Molecular consequence: nonsense.
Genome position (GRCh38, 1-based): chr11:116,820,893, G>A on the plus strand (C>T on the coding strand, the complement: APOA4 is on the minus strand). VCF-style: chr11-116820893-G-A. GRCh37 (hg19) VCF-style: chr11-116691609-G-A.
Other names: short protein forms Q389*.
Identifiers: ClinVar variation 2977671 (VCV002977671.3), dbSNP rs1288845296, ClinGen allele CA382698423.

ClinVar aggregate classification (germline): Uncertain significance (1 of 4 stars; one submission).

Allele frequency attached by ClinVar (database versions not stated): TOPMed below 0.00001; gnomAD exomes 0.00001.

Submission:

Labcorp Genetics (formerly Invitae), Labcorp
Classification: Uncertain significance. Last evaluated: 2023-09-25. Review status: criteria provided, single submitter. Criteria: Invitae Variant Classification Sherloc (09022015). Collection method: clinical testing. Allele origin: germline.
Comment: In summary, the available evidence is currently insufficient to determine the role of this variant in disease. Therefore, it has been classified as a Variant of Uncertain Significance. This sequence change creates a premature translational stop signal (p.Gln389*) in the APOA4 gene. While this is not anticipated to result in nonsense mediated decay, it is expected to disrupt the last 8 amino acid(s) of the APOA4 protein. This variant is present in population databases (no rsID available, gnomAD 0.003%). This variant has not been reported in the literature in individuals affected with APOA4-related conditions. Experimental studies and prediction algorithms are not available or were not evaluated, and the functional significance of this variant is currently unknown.